The following is an entry in ClinVar:

NM_001122769.3(LCA5):c.564_565dup (p.Val189fs)

Gene: LCA5 (lebercilin LCA5; minus strand). Cytogenetic location: 6q14.1.
Variant type: Duplication.
Coding change: c.564_565dup on transcript NM_001122769.3 (MANE Select); coding-DNA positions 564 to 565, 2 bases duplicated (GG; older notation c.564_565dupGG).
Protein change: p.Val189fs; shifts the reading frame from valine 189.
Molecular consequence: frameshift variant.
Genome position (GRCh38, 1-based): chr6:79,513,367-79,513,368, CC duplicated on the plus strand (GG on the coding strand, the reverse complement: LCA5 is on the minus strand); duplicating any 2 consecutive bases within chr6:79,513,367-79,513,369 gives the same sequence; the c. name uses the placement nearest the transcript's 3' end. VCF-style (leftmost placement, unchanged base first): chr6-79513366-A-ACC. GRCh37 (hg19) VCF-style: chr6-80223083-A-ACC.
Other names: c.564_565dup, p.Val189fs (NM_181714.4); short protein forms V189fs.
Identifiers: ClinVar variation 2089254 (VCV002089254.4), dbSNP rs2533438863, ClinGen allele CA2580075884.

ClinVar aggregate classification (germline): Pathogenic (1 of 4 stars; one submission).

Submission:

Labcorp Genetics (formerly Invitae), Labcorp
Classification: Pathogenic. Last evaluated: 2022-02-01. Review status: criteria provided, single submitter. Criteria: Invitae Variant Classification Sherloc (09022015). Collection method: clinical testing. Allele origin: germline.
Comment: For these reasons, this variant has been classified as Pathogenic. Algorithms developed to predict the effect of sequence changes on RNA splicing suggest that this variant may create or strengthen a splice site. This variant has not been reported in the literature in individuals affected with LCA5-related conditions. This variant is not present in population databases (gnomAD no frequency). This sequence change creates a premature translational stop signal (p.Val189Glyfs*2) in the LCA5 gene. It is expected to result in an absent or disrupted protein product. Loss-of-function variants in LCA5 are known to be pathogenic (PMID: 17546029, 23946133).

Literature cited by the submitters: PubMed 17546029; PubMed 23946133.